The following is an entry in ClinVar:

ClinVar aggregate classification (germline): Uncertain significance. Review status: criteria provided, multiple submitters, no conflicts (2 of 4 stars). 3 submissions from 3 submitters: Uncertain significance (3). Last evaluated 2024-07-24.

Allele frequency attached by ClinVar (database versions not stated): gnomAD exomes below 0.00001; ExAC 0.00001.

Submissions (3):

Blueprint Genetics
Classification: Uncertain significance. Last evaluated: 2024-07-24. Review status: criteria provided, single submitter. Criteria: ACMG Guidelines, 2015. Collection method: clinical testing. Allele origin: germline.

GeneDx
Classification: Uncertain significance. Last evaluated: 2023-01-10. Review status: criteria provided, single submitter. Criteria: GeneDx Variant Classification Process June 2021. Collection method: clinical testing. Allele origin: germline. Affected: yes.
Comment: Not observed at significant frequency in large population cohorts (gnomAD); In silico analysis supports that this missense variant has a deleterious effect on protein structure/function; Has not been previously published as pathogenic or benign to our knowledge

Labcorp Genetics (formerly Invitae), Labcorp
Classification: Uncertain significance. Last evaluated: 2022-06-14. Review status: criteria provided, single submitter. Criteria: Invitae Variant Classification Sherloc (09022015). Collection method: clinical testing. Allele origin: germline.
Comment: This sequence change replaces lysine, which is basic and polar, with glutamine, which is neutral and polar, at codon 139 of the KARS protein (p.Lys139Gln). This variant is present in population databases (rs759375800, gnomAD 0.002%). This variant has not been reported in the literature in individuals affected with KARS-related conditions. Algorithms developed to predict the effect of missense changes on protein structure and function output the following: SIFT: "Tolerated"; PolyPhen-2: "Benign"; Align-GVGD: "Class C0". The glutamine amino acid residue is found in multiple mammalian species, which suggests that this missense change does not adversely affect protein function. In summary, the available evidence is currently insufficient to determine the role of this variant in disease. Therefore, it has been classified as a Variant of Uncertain Significance.

NM_005548.3(KARS1):c.331A>C (p.Lys111Gln)

Gene: KARS1 (lysyl-tRNA synthetase 1; minus strand). Cytogenetic location: 16q23.1.
Variant type: single nucleotide variant.
Coding change: c.331A>C on transcript NM_005548.3 (MANE Select); coding-DNA position 331, A replaced by C.
Protein change: p.Lys111Gln; replaces lysine 111 with glutamine.
Molecular consequence: missense variant. On other transcripts: 5 prime UTR variant (1).
Genome position (GRCh38, 1-based): chr16:75,640,241, T>G on the plus strand (A>C on the coding strand, the complement: KARS1 is on the minus strand). VCF-style: chr16-75640241-T-G. GRCh37 (hg19) VCF-style: chr16-75674139-T-G.
Other names: c.415A>C, p.Lys139Gln (NM_001130089.2); c.-138A>C (NM_001378148.1); short protein forms K111Q, K139Q.
Identifiers: ClinVar variation 1906916 (VCV001906916.4), dbSNP rs759375800, ClinGen allele CA8177671.